The following is an entry in ClinVar:

NM_000744.7(CHRNA4):c.384-8C>G

Gene: CHRNA4 (cholinergic receptor nicotinic alpha 4 subunit; minus strand). Cytogenetic location: 20q13.33.
Variant type: single nucleotide variant.
Coding change: c.384-8C>G on transcript NM_000744.7 (MANE Select); 8 bases into the intron before coding-DNA position 384, C replaced by G.
Molecular consequence: intron variant.
Genome position (GRCh38, 1-based): chr20:63,351,035, G>C on the plus strand (C>G on the coding strand, the complement: CHRNA4 is on the minus strand). VCF-style: chr20-63351035-G-C. GRCh37 (hg19) VCF-style: chr20-61982387-G-C.
Other names: c.-145-8C>G (NM_001256573.2).
Identifiers: ClinVar variation 701590 (VCV000701590.12), dbSNP rs369806756, ClinGen allele CA9957810.

ClinVar aggregate classification (germline): Conflicting classifications of pathogenicity. Review status: criteria provided, conflicting classifications (1 of 4 stars). 2 submissions from 2 submitters: Uncertain significance (1); Likely benign (1). Last evaluated 2025-06-17.

Conditions:
Familial sleep-related hypermotor epilepsy. Also called: Autosomal Dominant Sleep-Related Hypermotor (Hyperkinetic) Epilepsy. Identifiers: Orphanet 98784, MedGen C3696898, MONDO:0000030.

Allele frequency attached by ClinVar (database versions not stated): gnomAD 0.00010 and 0.00009; 1000 Genomes Project 0.00020; ESP Exome Variant Server 0.00008; 1000 Genomes Project 30x 0.00031; TOPMed 0.00011.
gnomAD v4.1: 30 of 1,610,442 alleles (0.0019%); highest among the groups gnomAD compares: African/African-American, 0.028%; no homozygotes.

Submissions (2):

Labcorp Genetics (formerly Invitae), Labcorp
Classification: Likely benign. Last evaluated: 2025-06-17. Review status: criteria provided, single submitter. Criteria: Invitae Variant Classification Sherloc (09022015). Collection method: clinical testing. Allele origin: germline.

Women's Health and Genetics/Laboratory Corporation of America, LabCorp
Classification: Uncertain significance. Last evaluated: 2024-11-19. Review status: criteria provided, single submitter. Criteria: LabCorp Variant Classification Summary - May 2015. Collection method: clinical testing. Allele origin: germline.
Comment: Variant summary: CHRNA4 c.384-8C>G alters a non-conserved nucleotide located close to a canonical splice site and therefore could affect mRNA splicing, leading to a significantly altered protein sequence. Consensus agreement among computation tools predict no significant impact on normal splicing. However, these predictions have yet to be confirmed by functional studies. The variant allele was found at a frequency of 4.1e-05 in 245848 control chromosomes. This frequency is not significantly higher than estimated for a pathogenic variant in CHRNA4 causing Epilepsy, Nocturnal Frontal Lobe, Type 1, allowing no conclusion about variant significance. To our knowledge, no occurrence of c.384-8C>G in individuals affected with Epilepsy, Nocturnal Frontal Lobe, Type 1 and no experimental evidence demonstrating its impact on protein function have been reported. ClinVar contains an entry for this variant (Variation ID: 701590). Based on the evidence outlined above, the variant was classified as uncertain significance.